The following is an entry in ClinVar:

NM_001164462.2(MUC12):c.5331C>T (p.Gly1777=)

Gene: MUC12 (mucin 12, cell surface associated; plus strand). Cytogenetic location: 7q22.1.
Variant type: single nucleotide variant.
Coding change: c.5331C>T on transcript NM_001164462.2 (MANE Select); coding-DNA position 5331, C replaced by T.
Protein change: p.Gly1777=; no amino-acid change (glycine 1777 retained).
Molecular consequence: synonymous variant.
Genome position (GRCh38, 1-based): chr7:100,995,894, C>T. VCF-style: chr7-100995894-C-T. GRCh37 (hg19) VCF-style: chr7-100639175-C-T.
Identifiers: ClinVar variation 4873488 (VCV004873488.2).

ClinVar aggregate classification (germline): Likely benign (1 of 4 stars; one submission).

gnomAD v4.1: 11 of 1,403,420 alleles (0.00078%); highest among the groups gnomAD compares: African/African-American, 0.0016%; no homozygotes.

Submission:

CeGaT Center for Human Genetics Tuebingen
Classification: Likely benign. Last evaluated: 2026-04-01. Review status: criteria provided, single submitter. Criteria: CeGaT Center For Human Genetics Tuebingen Variant Classification Criteria Version 2. Collection method: clinical testing. Allele origin: germline. Affected: yes. Observed: 1 variant allele.
Comment: MUC12: BP4, BP7